The following is an entry in ClinVar:

ClinVar aggregate classification (germline): Uncertain significance. Review status: criteria provided, multiple submitters, no conflicts (2 of 4 stars). 2 submissions from 2 submitters: Uncertain significance (2). Last evaluated 2025-02-01.

Conditions:
Hereditary nonpolyposis colorectal neoplasms. Identifiers: MedGen C0009405, MeSH D003123.
Hereditary cancer-predisposing syndrome. Also called: Hereditary neoplastic syndrome; Hereditary Cancer Syndrome; Tumor predisposition; Neoplastic Syndromes, Hereditary. Identifiers: Orphanet 140162, MedGen C0027672, MeSH D009386, MONDO:0015356.

Submissions (2):

Ambry Genetics
Classification: Uncertain significance for Hereditary cancer-predisposing syndrome. Last evaluated: 2025-02-01. Review status: criteria provided, single submitter. Criteria: Ambry Variant Classification Scheme 2023. Collection method: clinical testing. Allele origin: germline.
Comment: The p.A390E variant (also known as c.1169C>A), located in coding exon 11 of the PMS2 gene, results from a C to A substitution at nucleotide position 1169. The alanine at codon 390 is replaced by glutamic acid, an amino acid with dissimilar properties. This amino acid position is not well conserved in available vertebrate species. In addition, this alteration is predicted to be tolerated by in silico analysis. Based on the available evidence, the clinical significance of this variant remains unclear.

Labcorp Genetics (formerly Invitae), Labcorp
Classification: Uncertain significance for Hereditary nonpolyposis colorectal neoplasms. Last evaluated: 2021-09-10. Review status: criteria provided, single submitter. Criteria: Invitae Variant Classification Sherloc (09022015). Collection method: clinical testing. Allele origin: germline.
Comment: In summary, the available evidence is currently insufficient to determine the role of this variant in disease. Therefore, it has been classified as a Variant of Uncertain Significance. Advanced modeling of protein sequence and biophysical properties (such as structural, functional, and spatial information, amino acid conservation, physicochemical variation, residue mobility, and thermodynamic stability) performed at Invitae indicates that this missense variant is not expected to disrupt PMS2 protein function. This variant has not been reported in the literature in individuals affected with PMS2-related conditions. This variant is not present in population databases (ExAC no frequency). This sequence change replaces alanine with glutamic acid at codon 390 of the PMS2 protein (p.Ala390Glu). The alanine residue is weakly conserved and there is a moderate physicochemical difference between alanine and glutamic acid.

NM_000535.7(PMS2):c.1169C>A (p.Ala390Glu)

Gene: PMS2 (PMS1 homolog 2, mismatch repair system component; minus strand). Cytogenetic location: 7p22.1.
Variant type: single nucleotide variant.
Coding change: c.1169C>A on transcript NM_000535.7 (MANE Select); coding-DNA position 1169, C replaced by A.
Protein change: p.Ala390Glu; replaces alanine 390 with glutamic acid.
Molecular consequence: missense variant. On other transcripts: non-coding transcript variant (1).
Genome position (GRCh38, 1-based): chr7:5,987,596, G>T on the plus strand (C>A on the coding strand, the complement: PMS2 is on the minus strand). VCF-style: chr7-5987596-G-T. GRCh37 (hg19) VCF-style: chr7-6027227-G-T.
Other names: c.764C>A, p.Ala255Glu (NM_001322003.2, NM_001322004.2, NM_001322005.2 and 1 more transcripts); c.1013C>A, p.Ala338Glu (NM_001322006.2); c.851C>A, p.Ala284Glu (NM_001322007.2, NM_001322008.2); c.608C>A, p.Ala203Glu (NM_001322010.2); c.236C>A, p.Ala79Glu (NM_001322011.2, NM_001322012.2); c.596C>A, p.Ala199Glu (NM_001322013.2); c.1169C>A, p.Ala390Glu (NM_001322014.2); c.860C>A, p.Ala287Glu (NM_001322015.2); and 1 more; short protein forms A287E, A255E, A284E, A390E, A203E, A79E, A199E, A338E.
Identifiers: ClinVar variation 1518331 (VCV001518331.7), dbSNP rs587780039, ClinGen allele CA366742650.